The following is an entry in ClinVar:

ClinVar aggregate classification (germline): Uncertain significance (1 of 4 stars; one submission).

Conditions:
Pierson syndrome. Also called: MICROCORIA-CONGENITAL NEPHROTIC SYNDROME. Identifiers: Orphanet 2670, MedGen C1836876, MONDO:0012184, OMIM 609049.
LAMB2-related infantile-onset nephrotic syndrome. Also called: Nephrotic Syndrome, type 5; NEPHROTIC SYNDROME, TYPE 5, WITHOUT OCULAR ABNORMALITIES; NEPHROTIC SYNDROME, TYPE 5, WITH OCULAR ABNORMALITIES. Identifiers: Orphanet 306507, MedGen C3280113, MONDO:0013621, OMIM 614199.

gnomAD v4.1: 1 of 1,613,938 alleles (0.000062%); highest among the groups gnomAD compares: Non-Finnish European, 0.000085%; no homozygotes.

Submission:

Labcorp Genetics (formerly Invitae), Labcorp
Classification: Uncertain significance for LAMB2-related infantile-onset nephrotic syndrome; Pierson syndrome. Last evaluated: 2026-01-13. Review status: criteria provided, single submitter. Criteria: Invitae Variant Classification Sherloc (09022015). Collection method: clinical testing. Allele origin: germline.
Comment: This sequence change replaces glutamine, which is neutral and polar, with arginine, which is basic and polar, at codon 1154 of the LAMB2 protein (p.Gln1154Arg). This variant is present in population databases (no rsID available, gnomAD 0.0009%). This variant has not been reported in the literature in individuals affected with LAMB2-related conditions. An algorithm developed to predict the effect of missense changes on protein structure and function (PolyPhen-2) suggests that this variant is likely to be disruptive. In summary, the available evidence is currently insufficient to determine the role of this variant in disease. Therefore, it has been classified as a Variant of Uncertain Significance.

NM_002292.4(LAMB2):c.3461A>G (p.Gln1154Arg)

Gene: LAMB2 (laminin subunit beta 2; minus strand). Cytogenetic location: 3p21.31.
Variant type: single nucleotide variant.
Coding change: c.3461A>G on transcript NM_002292.4 (MANE Select); coding-DNA position 3461, A replaced by G.
Protein change: p.Gln1154Arg; replaces glutamine 1154 with arginine.
Molecular consequence: missense variant.
Genome position (GRCh38, 1-based): chr3:49,124,064, T>C on the plus strand (A>G on the coding strand, the complement: LAMB2 is on the minus strand). VCF-style: chr3-49124064-T-C. GRCh37 (hg19) VCF-style: chr3-49161497-T-C.
Other names: short protein forms Q1154R.
Identifiers: ClinVar variation 4794404 (VCV004794404.1).